The following is an entry in ClinVar:

NM_005045.4(RELN):c.3215del (p.Asp1072fs)

Gene: RELN (reelin; minus strand). Cytogenetic location: 7q22.1.
Variant type: Deletion.
Coding change: c.3215del on transcript NM_005045.4 (MANE Select); coding-DNA position 3215, one base deleted (A; older notation c.3215delA).
Protein change: p.Asp1072fs; shifts the reading frame from aspartic acid 1072.
Molecular consequence: frameshift variant.
Genome position (GRCh38, 1-based): chr7:103,603,422, T deleted on the plus strand (A on the coding strand, the reverse complement: RELN is on the minus strand). VCF-style (leftmost placement, unchanged base first): chr7-103603421-AT-A. GRCh37 (hg19) VCF-style: chr7-103243868-AT-A.
Other names: c.3215del, p.Asp1072fs (NM_173054.3); short protein forms D1072fs.
Identifiers: ClinVar variation 856842 (VCV000856842.6), dbSNP rs1831725857, ClinGen allele CA916082945.
Genomic context (GRCh38, chr7:103,603,421, plus strand): 5'-TACAATTTCTCCCCCAATAACTTCTTGCCAGTCAGACTCCCAGCCATTCTGGTTCTCAAA[AT>A]CTGACATAATTGTGGACGGAAGGGCAGCTTCTGGGTGGCATTCAGTGCCTTGGTACCCCT-3'

ClinVar aggregate classification (germline): Pathogenic (1 of 4 stars; one submission).

Conditions:
Familial temporal lobe epilepsy 7. Identifiers: Orphanet 101046, MedGen C4225327, MONDO:0014639, OMIM 616436.
Norman-Roberts syndrome (LIS2). Also called: Lissencephaly 2 (Norman-Roberts type). Identifiers: Orphanet 89844, MedGen C0796089, MONDO:0009760, OMIM 257320.

Submission:

Labcorp Genetics (formerly Invitae), Labcorp
Classification: Pathogenic for Familial temporal lobe epilepsy 7; Norman-Roberts syndrome. Last evaluated: 2022-07-05. Review status: criteria provided, single submitter. Criteria: Invitae Variant Classification Sherloc (09022015). Collection method: clinical testing. Allele origin: germline.
Comment: For these reasons, this variant has been classified as Pathogenic. This sequence change creates a premature translational stop signal (p.Asp1072Valfs*21) in the RELN gene. It is expected to result in an absent or disrupted protein product. Loss-of-function variants in RELN are known to be pathogenic (PMID: 10973257, 26046367, 28454995). Algorithms developed to predict the effect of sequence changes on RNA splicing suggest that this variant may disrupt the consensus splice site. ClinVar contains an entry for this variant (Variation ID: 856842). This variant has not been reported in the literature in individuals affected with RELN-related conditions. This variant is not present in population databases (gnomAD no frequency).

Literature cited by the submitters: PubMed 10973257; PubMed 26046367; PubMed 28454995.